The following is an entry in ClinVar:

NM_000458.4(HNF1B):c.1117G>C (p.Ala373Pro)

Gene: HNF1B (HNF1 homeobox B; minus strand). Cytogenetic location: 17q12.
Variant type: single nucleotide variant.
Coding change: c.1117G>C on transcript NM_000458.4 (MANE Select); coding-DNA position 1117, G replaced by C.
Protein change: p.Ala373Pro; replaces alanine 373 with proline.
Molecular consequence: missense variant.
Genome position (GRCh38, 1-based): chr17:37,710,592, C>G on the plus strand (G>C on the coding strand, the complement: HNF1B is on the minus strand). VCF-style: chr17-37710592-C-G. GRCh37 (hg19) VCF-style: chr17-36070600-C-G.
Other names: c.1039G>C, p.Ala347Pro (NM_001165923.4, NM_001304286.2); c.1117G>C, p.Ala373Pro (NM_001411100.1); short protein forms A347P, A373P.
Identifiers: ClinVar variation 4997222 (VCV004997222.1).
Genomic context (GRCh38, chr17:37,710,592, plus strand): 5'-GGCCTGGGTCCAGGCTGGCTGGGGAGACTTGCTGTAAAACCGACTGGCTGGTCACCATGG[C>G]GCTGTTGCCATGGTGACTGATTGTTGAGGAGGAAGTGATCTCATTGTTTCCCTGCTGGCT-3'
Protein context (NP_000449.1, residues 363-383): SSTISHHGNS[Ala373Pro]MVTSQSVLQQ

ClinVar aggregate classification (germline): Likely benign (1 of 4 stars; one submission).

Conditions:
HNF1B-related disorder. Also called: HNF1B-related condition; HNF1B-related disorders.

Submission:

PreventionGenetics, part of Exact Sciences
Classification: Likely benign for HNF1B-related condition. Last evaluated: 2025-02-09. Review status: criteria provided, single submitter. Criteria: ACMG Guidelines, 2015. Collection method: clinical testing. Allele origin: germline.
Comment: This variant is classified as likely benign based on ACMG/AMP sequence variant interpretation guidelines (Richards et al. 2015 PMID: 25741868, with internal and published modifications).